The following is an entry in ClinVar:

NM_000552.5(VWF):c.3931C>T (p.Gln1311Ter)

Gene: VWF (von Willebrand factor; minus strand). Cytogenetic location: 12p13.31.
Variant type: single nucleotide variant.
Coding change: c.3931C>T on transcript NM_000552.5 (MANE Select); coding-DNA position 3931, C replaced by T.
Protein change: p.Gln1311Ter; replaces glutamine 1311 with a stop codon.
Molecular consequence: nonsense.
Genome position (GRCh38, 1-based): chr12:6,019,487, G>A on the plus strand (C>T on the coding strand, the complement: VWF is on the minus strand). VCF-style: chr12-6019487-G-A. GRCh37 (hg19) VCF-style: chr12-6128653-G-A.
Other names: p.Gln1311*; short protein forms Q1311*.
Identifiers: ClinVar variation 100307 (VCV000100307.8), dbSNP rs267607337, ClinGen allele CA228496.

ClinVar aggregate classification (germline): Pathogenic. Review status: criteria provided, multiple submitters, no conflicts (2 of 4 stars). 7 submissions from 7 submitters: Pathogenic (5). 2 of the submissions do not count toward it. Last evaluated 2024-11-19.

Conditions:
von Willebrand disease type 3 (VWD3). Also called: Type 3 Von Willebrand's disease; Type 3 VWD; Von Willebrand disease, severe form; V WD3; VON WILLEBRAND DISEASE, TYPE III. Identifiers: Orphanet 166096, MedGen C1264041, MONDO:0010191, OMIM 277480.
Factor VIII deficiency. Identifiers: MedGen C3494187, OMIM 134500.
Hereditary von Willebrand disease. Identifiers: Orphanet 903, MedGen C5703318, MONDO:0019565. Inheritance: Autosomal recessive or Autosomal dominant.
Thrombocytopenia. Identifiers: MedGen C0040034, MeSH D013921, MONDO:0002049, HP:0001873.

Allele frequency attached by ClinVar (database versions not stated): gnomAD 0.00001.
gnomAD v4.1: 33 of 1,613,678 alleles (0.002%); highest among the groups gnomAD compares: South Asian, 0.027%; no homozygotes.

Submissions (7):

North West Genomic Laboratory Hub, Manchester University NHS Foundation Trust
Classification: Pathogenic for Factor VIII deficiency. Last evaluated: 2024-11-19. Review status: criteria provided, single submitter. Criteria: ACGS Best Practice Guidelines for Variant Classification in Rare Disease 2024. Collection method: clinical testing. Allele origin: germline. Affected: yes.
Comment: PVS1_VStr PM3_Str PP4_Mod PM2_Mod

Mayo Clinic Laboratories, Mayo Clinic
Classification: Pathogenic. Last evaluated: 2024-07-29. Review status: criteria provided, single submitter. Criteria: ACMG Guidelines, 2015. Collection method: clinical testing. Allele origin: germline. Observed: 1 variant allele.
Comment: PP1, PP5, PS4_moderate, PVS1

Quest Diagnostics Nichols Institute San Juan Capistrano
Classification: Pathogenic. Last evaluated: 2023-08-17. Review status: criteria provided, single submitter. Criteria: Quest Diagnostics criteria. Collection method: clinical testing. Allele origin: unknown.
Comment: The VWF c.3931C>T (p.Gln1311*) variant causes the premature termination of VWF protein synthesis. This variant has been reported in the published literature in individuals with type 3 von Willebrand disease (VWD) (PMIDs: 11122100 (2000), 28971901 (2017), 31532876 (2019)). Additionally, this variant is part of a gene conversion event that occurs between the VWF gene and it's pseudogene, in which the variant results in a null allele (PMIDs: 12737944 (2003), 19277422 (2009), 31532876 (2019)). The frequency of this variant in the general population, 0.00039 (12/30604 chromosomes (Genome Aggregation Database)), is consistent with pathogenicity. Based on the available information, this variant is classified as pathogenic.

CENTOGENE GmbH and LLC - Guiding Precision Medicine
Classification: Pathogenic for von Willebrand disease. Review status: criteria provided, single submitter. Criteria: ACMG Guidelines, 2015. Collection method: clinical testing. Allele origin: germline. Affected: yes.

ISTH-SSC Genomics in Thrombosis and Hemostasis, KU Leuven, Center for Molecular and Vascular Biology
Classification: Pathogenic for Thrombocytopenia. Review status: criteria provided, single submitter. Criteria: ACMG Guidelines, 2015. Collection method: clinical testing. Allele origin: germline. Affected: yes. Observed: 1 heterozygote.
Comment: Submitted to GoldVariant by Kathleen Freson, Center for Molecular and Vascular Biology, Leuven, Belgium

Angelo Bianchi Bonomi Hemophilia and Thrombosis Center, Fondazione IRCCS Ca Granda Ospedale Maggiore Policlinico
Classification: Pathogenic for von Willebrand disease type 3. Last evaluated: 2020-11-01. Review status: no assertion criteria provided. Collection method: clinical testing. Allele origin: germline. Affected: yes. Study: Type 3 Von Willebrand International Registries Inhibitor Prospective Study (3WINTERS-IPS). Not counted in ClinVar's aggregate classification.
Comment: variant already reported in ClinVar

Academic Unit of Haematology, University of Sheffield
No classification provided. Review status: no classification provided. Collection method: not provided. Allele origin: not provided. Not counted in ClinVar's aggregate classification.

Literature cited by the submitters: PubMed 11122100 (cited by Mayo Clinic Laboratories, Mayo Clinic and Quest Diagnostics Nichols Institute San Juan Capistrano); PubMed 16115133 (cited by Mayo Clinic Laboratories, Mayo Clinic); PubMed 19601990 (cited by Mayo Clinic Laboratories, Mayo Clinic); PubMed 24675615 (cited by Mayo Clinic Laboratories, Mayo Clinic); PubMed 25689060 (cited by Mayo Clinic Laboratories, Mayo Clinic); PubMed 26988807 (cited by Mayo Clinic Laboratories, Mayo Clinic); PubMed 29984440 (cited by Mayo Clinic Laboratories, Mayo Clinic); PubMed 31532876 (cited by Mayo Clinic Laboratories, Mayo Clinic and Quest Diagnostics Nichols Institute San Juan Capistrano); PubMed 33403757 (cited by Mayo Clinic Laboratories, Mayo Clinic); PubMed 35343054 (cited by Mayo Clinic Laboratories, Mayo Clinic); PubMed 19277422 (cited by Quest Diagnostics Nichols Institute San Juan Capistrano); PubMed 12737944 (cited by Quest Diagnostics Nichols Institute San Juan Capistrano); PubMed 28971901 (cited by Quest Diagnostics Nichols Institute San Juan Capistrano).